The following is an entry in ClinVar:

NM_000379.4(XDH):c.605C>T (p.Thr202Met)

Gene: XDH (xanthine dehydrogenase; minus strand). Cytogenetic location: 2p23.1.
Variant type: single nucleotide variant.
Coding change: c.605C>T on transcript NM_000379.4 (MANE Select); coding-DNA position 605, C replaced by T.
Protein change: p.Thr202Met; replaces threonine 202 with methionine.
Molecular consequence: missense variant.
Genome position (GRCh38, 1-based): chr2:31,387,857, G>A on the plus strand (C>T on the coding strand, the complement: XDH is on the minus strand). VCF-style: chr2-31387857-G-A. GRCh37 (hg19) VCF-style: chr2-31610723-G-A.
Other names: c.605C>T (NM_000379.3); short protein forms T202M.
Identifiers: ClinVar variation 3586541 (VCV003586541.2).
Genomic context (GRCh38, chr2:31,387,857, plus strand): 5'-GAGGCATCACCTACCAGCAACTCTGGGGGAAAAATGGGCTCCTGGGTTGGATCCAGGGGC[G>A]TGAACTCCTCTGGTTTGAATAAAGATGGCGAGAGGCTGACCTATGGGGAAAGAGAACAGG-3'
Protein context (NP_000370.2, residues 192-212): SPSLFKPEEF[Thr202Met]PLDPTQEPIF

ClinVar aggregate classification (germline): Uncertain significance. Review status: criteria provided, multiple submitters, no conflicts (2 of 4 stars). 2 submissions from 2 submitters: Uncertain significance (2). Last evaluated 2025-01-15.

Conditions:
XDH-related disorder. Also called: XDH-related condition.
Hereditary xanthinuria type 1 (XAN1). Identifiers: Orphanet 3467, Orphanet 93601, MedGen C0268118, MONDO:0010209, OMIM 278300.

gnomAD v4.1: 84 of 1,588,570 alleles (0.0053%); highest among the groups gnomAD compares: East Asian, 0.011%; no homozygotes.

Submissions (2):

PreventionGenetics, part of Exact Sciences
Classification: Uncertain significance for XDH-related condition. Last evaluated: 2025-01-15. Review status: criteria provided, single submitter. Criteria: ACMG Guidelines, 2015. Collection method: clinical testing. Allele origin: germline.
Comment: The XDH c.605C>T variant is predicted to result in the amino acid substitution p.Thr202Met. To our knowledge, this variant has not been reported in the literature. This variant is reported in 0.0092% of alleles in individuals of African descent in gnomAD. At this time, the clinical significance of this variant is uncertain due to the absence of conclusive functional and genetic evidence.

Fulgent Genetics
Classification: Uncertain significance for Hereditary xanthinuria type 1. Last evaluated: 2024-03-30. Review status: criteria provided, single submitter. Criteria: ACMG Guidelines, 2015. Collection method: clinical testing. Allele origin: germline.